The following is an entry in ClinVar:

NM_138773.4(SLC25A46):c.203C>T (p.Thr68Ile)

Gene: SLC25A46 (solute carrier family 25 member 46; plus strand). Cytogenetic location: 5q22.1.
Variant type: single nucleotide variant.
Coding change: c.203C>T on transcript NM_138773.4 (MANE Select); coding-DNA position 203, C replaced by T.
Protein change: p.Thr68Ile; replaces threonine 68 with isoleucine.
Molecular consequence: missense variant. On other transcripts: non-coding transcript variant (1), intron variant (1).
Genome position (GRCh38, 1-based): chr5:110,739,322, C>T. VCF-style: chr5-110739322-C-T. GRCh37 (hg19) VCF-style: chr5-110075023-C-T.
Other names: c.203C>T, p.Thr68Ile (NM_001303249.3); c.10+1075C>T (NM_001303250.3); c.203C>T (NM_138773.1); short protein forms T68I.
Identifiers: ClinVar variation 1015763 (VCV001015763.7), dbSNP rs763466158, ClinGen allele CA3364495.

ClinVar aggregate classification (germline): Uncertain significance. Review status: criteria provided, multiple submitters, no conflicts (2 of 4 stars). 2 submissions from 2 submitters: Uncertain significance (2). Last evaluated 2025-05-21.

Conditions:
Inborn genetic diseases. Identifiers: MedGen C0950123, MeSH D030342.
Neuropathy, hereditary motor and sensory, type 6B (HMSN6B). Also called: NEUROPATHY, HEREDITARY MOTOR AND SENSORY, TYPE VIB, WITH OPTIC ATROPHY; Neuropathy, hereditary motor and sensory, type VIB; HMSN VIB; CHARCOT-MARIE-TOOTH DISEASE, TYPE 6B. Identifiers: MedGen C4225302, MONDO:0014671, OMIM 616505.

Allele frequency attached by ClinVar (database versions not stated): gnomAD exomes 0.00004; TOPMed 0.00001; ExAC below 0.00001.
gnomAD v4.1: 46 of 1,566,784 alleles (0.0029%); highest among the groups gnomAD compares: Admixed American, 0.0095%; no homozygotes.

Submissions (2):

Ambry Genetics
Classification: Uncertain significance for Inborn genetic diseases. Last evaluated: 2025-05-21. Review status: criteria provided, single submitter. Criteria: Ambry Variant Classification Scheme 2023. Collection method: clinical testing. Allele origin: germline.

Labcorp Genetics (formerly Invitae), Labcorp
Classification: Uncertain significance for Neuropathy, hereditary motor and sensory, type 6B. Last evaluated: 2022-06-20. Review status: criteria provided, single submitter. Criteria: Invitae Variant Classification Sherloc (09022015). Collection method: clinical testing. Allele origin: germline.
Comment: This sequence change replaces threonine, which is neutral and polar, with isoleucine, which is neutral and non-polar, at codon 68 of the SLC25A46 protein (p.Thr68Ile). This variant is present in population databases (rs763466158, gnomAD 0.01%). This variant has not been reported in the literature in individuals affected with SLC25A46-related conditions. ClinVar contains an entry for this variant (Variation ID: 1015763). Algorithms developed to predict the effect of missense changes on protein structure and function (SIFT, PolyPhen-2, Align-GVGD) all suggest that this variant is likely to be tolerated. In summary, the available evidence is currently insufficient to determine the role of this variant in disease. Therefore, it has been classified as a Variant of Uncertain Significance.